The following is an entry in ClinVar:

ClinVar aggregate classification (germline): Uncertain significance (1 of 4 stars; one submission).

Conditions:
Familial cancer of breast. Also called: BREAST CANCER, FAMILIAL; Hereditary breast cancer; hereditary breast carcinoma. Identifiers: Orphanet 227535, MedGen C0346153, MONDO:0016419, OMIM 114480. Disease mechanism: loss of function.

Submission:

Labcorp Genetics (formerly Invitae), Labcorp
Classification: Uncertain significance for Familial cancer of breast. Last evaluated: 2021-10-10. Review status: criteria provided, single submitter. Criteria: Invitae Variant Classification Sherloc (09022015). Collection method: clinical testing. Allele origin: germline.
Comment: In summary, the available evidence is currently insufficient to determine the role of this variant in disease. Therefore, it has been classified as a Variant of Uncertain Significance. Algorithms developed to predict the effect of missense changes on protein structure and function are either unavailable or do not agree on the potential impact of this missense change (SIFT: "Deleterious"; PolyPhen-2: "Probably Damaging"; Align-GVGD: "Class C0"). This variant has not been reported in the literature in individuals affected with CHEK2-related conditions. This variant is not present in population databases (ExAC no frequency). This sequence change replaces histidine with leucine at codon 345 of the CHEK2 protein (p.His345Leu). The histidine residue is highly conserved and there is a moderate physicochemical difference between histidine and leucine.

NM_007194.4(CHEK2):c.1034A>T (p.His345Leu)

Gene: CHEK2 (checkpoint kinase 2; minus strand). Cytogenetic location: 22q12.1.
Variant type: single nucleotide variant.
Coding change: c.1034A>T on transcript NM_007194.4 (MANE Select); coding-DNA position 1034, A replaced by T.
Protein change: p.His345Leu; replaces histidine 345 with leucine.
Molecular consequence: missense variant. On other transcripts: intron variant (3).
Genome position (GRCh38, 1-based): chr22:28,696,962, T>A on the plus strand (A>T on the coding strand, the complement: CHEK2 is on the minus strand). VCF-style: chr22-28696962-T-A. GRCh37 (hg19) VCF-style: chr22-29092950-T-A.
Other names: c.1163A>T, p.His388Leu (NM_001005735.3); c.371A>T, p.His124Leu (NM_001257387.3, NM_001437942.1); c.833A>T, p.His278Leu (NM_001349956.3); c.1127A>T, p.His376Leu (NM_001438293.1); c.1009-1089A>T (NM_145862.3); c.1102-1089A>T (NM_001438295.1); c.1138-1089A>T (NM_001438294.1); short protein forms H345L, H278L, H124L, H388L, H376L.
Identifiers: ClinVar variation 530216 (VCV000530216.7), dbSNP rs1555914342, ClinGen allele CA411097749.